The following is an entry in ClinVar:

NM_001401501.2(MUC16):c.9689G>C (p.Ser3230Thr)

Gene: MUC16 (mucin 16, cell surface associated; minus strand). Cytogenetic location: 19p13.2.
Variant type: single nucleotide variant.
Coding change: c.9689G>C on transcript NM_001401501.2 (MANE Select); coding-DNA position 9689, G replaced by C.
Protein change: p.Ser3230Thr; replaces serine 3230 with threonine.
Molecular consequence: missense variant.
Genome position (GRCh38, 1-based): chr19:8,969,786, C>G on the plus strand (G>C on the coding strand, the complement: MUC16 is on the minus strand). VCF-style: chr19-8969786-C-G. GRCh37 (hg19) VCF-style: chr19-9080462-C-G.
Other names: c.10115G>C, p.Ser3372Thr (NM_001414686.1); c.9569G>C, p.Ser3190Thr (NM_001414687.1, NM_024690.2); short protein forms S3190T, S3230T, S3372T.
Identifiers: ClinVar variation 3059043 (VCV003059043.2), dbSNP rs2547065, ClinGen allele CA9171674.

ClinVar aggregate classification (germline): Benign (0 of 4 stars; one submission).

Conditions:
MUC16-related disorder. Also called: MUC16-related condition.

Allele frequency attached by ClinVar (database versions not stated): ESP Exome Variant Server 0.56727; gnomAD 0.56837; TOPMed 0.57203; ExAC 0.59959; 1000 Genomes Project 30x 0.60181; 1000 Genomes Project 0.60443.

Submission:

PreventionGenetics, part of Exact Sciences
Classification: Benign for MUC16-related condition. Last evaluated: 2019-10-17. Review status: no assertion criteria provided. Collection method: clinical testing. Allele origin: germline.
Comment: This variant is classified as benign based on ACMG/AMP sequence variant interpretation guidelines (Richards et al. 2015 PMID: 25741868, with internal and published modifications).